The following is an entry in ClinVar:

NM_006015.6(ARID1A):c.5199G>A (p.Glu1733=)

Gene: ARID1A (AT-rich interaction domain 1A; plus strand). Cytogenetic location: 1p36.11.
Variant type: single nucleotide variant.
Coding change: c.5199G>A on transcript NM_006015.6 (MANE Select); coding-DNA position 5199, G replaced by A.
Protein change: p.Glu1733=; no amino-acid change (glutamic acid 1733 retained).
Molecular consequence: synonymous variant.
Genome position (GRCh38, 1-based): chr1:26,779,097, G>A. VCF-style: chr1-26779097-G-A. GRCh37 (hg19) VCF-style: chr1-27105588-G-A.
Other names: c.4548G>A, p.Glu1516= (NM_139135.4).
Identifiers: ClinVar variation 3058573 (VCV003058573.3), dbSNP rs764231245, ClinGen allele CA707641.

ClinVar aggregate classification (germline): Likely benign. Review status: criteria provided, single submitter (1 of 4 stars). 2 submissions from 2 submitters: Likely benign (1). 1 of the submissions does not count toward it. Last evaluated 2023-09-01.

Conditions:
ARID1A-related disorder. Also called: ARID1A-related condition.

Allele frequency attached by ClinVar (database versions not stated): gnomAD 0.00001; gnomAD exomes 0.00001; ExAC 0.00005; TOPMed 0.00005.
gnomAD v4.1: 13 of 1,536,854 alleles (0.00085%); highest among the groups gnomAD compares: East Asian, 0.029%; no homozygotes.

Submissions (2):

Blueprint Genetics
Classification: Likely benign. Last evaluated: 2023-09-01. Review status: criteria provided, single submitter. Criteria: ACMG Guidelines, 2015. Collection method: clinical testing. Allele origin: germline.

PreventionGenetics, part of Exact Sciences
Classification: Likely benign for ARID1A-related condition. Last evaluated: 2019-03-27. Review status: no assertion criteria provided. Collection method: clinical testing. Allele origin: germline. Not counted in ClinVar's aggregate classification.
Comment: This variant is classified as likely benign based on ACMG/AMP sequence variant interpretation guidelines (Richards et al. 2015 PMID: 25741868, with internal and published modifications).